The following is an entry in ClinVar:

NM_004409.5(DMPK):c.*224CTG[214]

Genes: DM1-AS (DM1 locus antisense RNA; plus strand), DMPK (DM1 protein kinase; minus strand), LOC107075317 (origin of replication in DMPK trinucleotide repeat region; plus strand), LOC109461477 (dystrophia myotonica protein kinase repeat instability region; plus strand). Cytogenetic location: 19q13.32.
Variant type: Microsatellite.
Coding change: c.*224CTG[214] on transcript NM_004409.5 (MANE Select); 214 copies in a row of the 3-base unit CTG starting at c.*224.
Molecular consequence: 3 prime UTR variant.
Genome position: GRCh38, VCF-style position (the base before the change): chr19:45,770,204. GRCh37 (hg19), VCF-style position (the base before the change): chr19:46,273,462.
Other names: DM1 CTG repeat expansion; c.*222_*224TGC[214] (NM_001081563.3); c.*224CTG[214] (NM_001288764.2, NM_001081560.3, NM_001424165.1 and 1 more transcripts); c.*217CTG[214] (NM_001288765.2, NM_001424162.1, NM_001424163.1 and 2 more transcripts); c.*369CTG[214] (NM_001288766.2, NM_001424164.1, NM_001424168.1).
Identifiers: ClinVar variation 187937 (VCV000187937.2), ClinGen allele CA915951734.

ClinVar aggregate classification (germline): Pathogenic (0 of 4 stars; one submission).

Conditions:
Steinert myotonic dystrophy syndrome (DM1). Also called: STEINERT DISEASE; Myotonic dystrophy type 1; Dystrophia myotonica type 1; Steinert myotonic dystrophy; Steinert's disease. Identifiers: Orphanet 273, MedGen C3250443, MONDO:0008056, OMIM 160900.

Submission:

Institute of Molecular, Cell and Systems Biology, University of Glasgow
Classification: Pathogenic for Steinert myotonic dystrophy syndrome. Review status: no assertion criteria provided. Criteria: research. Collection method: research. Allele origin: germline. Inheritance: Autosomal dominant inheritance. Affected: yes. Observed: 1 heterozygote.
Comment: DMPK CTG repeat expansions greater than approximately 45-50 repeats are assumed to be pathogenic

This record is based on data published in PubMed 25052313, which reports only ClinVar accessions SCV000120188 and SCV000120189. The complete data set includes SCV000207445 - SCV000207579.

Literature cited by the submitters: PubMed 1346923; PubMed 1546326; PubMed 25052313.